The following is an entry in ClinVar:

NM_001754.5(RUNX1):c.1412G>A (p.Arg471His)

Gene: RUNX1 (RUNX family transcription factor 1; minus strand). Cytogenetic location: 21q22.12.
Variant type: single nucleotide variant.
Coding change: c.1412G>A on transcript NM_001754.5 (MANE Select); coding-DNA position 1412, G replaced by A.
Protein change: p.Arg471His; replaces arginine 471 with histidine.
Molecular consequence: missense variant.
Genome position (GRCh38, 1-based): chr21:34,792,166, C>T on the plus strand (G>A on the coding strand, the complement: RUNX1 is on the minus strand). VCF-style: chr21-34792166-C-T. GRCh37 (hg19) VCF-style: chr21-36164463-C-T.
Other names: NM_001754.5(RUNX1):c.1412G>A; p.Arg471His; c.1331G>A, p.Arg444His (NM_001001890.3); short protein forms R444H, R471H.
Identifiers: ClinVar variation 1024050 (VCV001024050.9), dbSNP rs2056447396, ClinGen allele CA410146714.

ClinVar aggregate classification (germline): Uncertain significance. Review status: reviewed by expert panel (3 of 4 stars). 2 submissions from 2 submitters: Uncertain significance (1). 1 of the submissions does not count toward it. Last evaluated 2024-07-11.

Conditions:
Hereditary thrombocytopenia and hematologic cancer predisposition syndrome. Identifiers: Orphanet 71290, MedGen CN281654, MONDO:0011071.
Hereditary thrombocytopenia and hematological cancer predisposition syndrome associated with RUNX1. Also called: Familial thrombocytopenia with propensity to acute myelogenous leukemia; PLATELET DISORDER, ASPIRIN-LIKE; RUNX1 Familial Platelet Disorder with Associated Myeloid Malignancies; Familial Platelet Disorder with Propensity to Acute Myelogenous Leukemia. Identifiers: Orphanet 71290, MedGen C1832388, MeSH C563324, MONDO:0100083, OMIM 601399.

Submissions (2):

ClinGen Myeloid Malignancy Variant Curation Expert Panel
Classification: Uncertain significance for Hereditary thrombocytopenia and hematologic cancer predisposition syndrome. Last evaluated: 2024-07-11. Review status: reviewed by expert panel. Criteria: ClinGen MyeloMalig ACMG Specifications v2. Collection method: curation. Allele origin: germline. Inheritance: Autosomal dominant inheritance.
Comment: NM_001754.5(RUNX1): c.1412G>A (p.Arg471His) is a missense variant which has a REVEL score < 0.50 (0.369) and a SpliceAI score ≤ 0.20 (0.0) (BP4). This variant is completely absent from all population databases with at least 20x coverage for RUNX1 (PM2_Supporting). In summary, the clinical significance of this variant is uncertain. ACMG/AMP criteria applied, as specified by the Myeloid Malignancy Variant Curation Expert Panel for RUNX1: BP4, PM2_supporting.

Labcorp Genetics (formerly Invitae), Labcorp
Classification: Uncertain significance for Hereditary thrombocytopenia and hematological cancer predisposition syndrome associated with RUNX1. Last evaluated: 2023-01-06. Review status: criteria provided, single submitter. Criteria: Invitae Variant Classification Sherloc (09022015). Collection method: clinical testing. Allele origin: germline. Not counted in ClinVar's aggregate classification.
Comment: In summary, the available evidence is currently insufficient to determine the role of this variant in disease. Therefore, it has been classified as a Variant of Uncertain Significance. Advanced modeling of protein sequence and biophysical properties (such as structural, functional, and spatial information, amino acid conservation, physicochemical variation, residue mobility, and thermodynamic stability) performed at Invitae indicates that this missense variant is not expected to disrupt RUNX1 protein function. ClinVar contains an entry for this variant (Variation ID: 1024050). This variant has not been reported in the literature in individuals affected with RUNX1-related conditions. This variant is not present in population databases (gnomAD no frequency). This sequence change replaces arginine, which is basic and polar, with histidine, which is basic and polar, at codon 471 of the RUNX1 protein (p.Arg471His).